The following is an entry in ClinVar:

NM_198994.3(TGM6):c.615C>A (p.Ala205=)

Gene: TGM6 (transglutaminase 6; plus strand). Cytogenetic location: 20p13.
Variant type: single nucleotide variant.
Coding change: c.615C>A on transcript NM_198994.3 (MANE Select); coding-DNA position 615, C replaced by A.
Protein change: p.Ala205=; no amino-acid change (alanine 205 retained).
Molecular consequence: synonymous variant.
Genome position (GRCh38, 1-based): chr20:2,397,989, C>A. VCF-style: chr20-2397989-C-A. GRCh37 (hg19) VCF-style: chr20-2378635-C-A.
Other names: c.615C>A, p.Ala205= (NM_001254734.2).
Identifiers: ClinVar variation 4982694 (VCV004982694.1).

ClinVar aggregate classification (germline): Likely benign (1 of 4 stars; one submission).

Conditions:
TGM6-related disorder. Also called: TGM6-related condition.

Submission:

PreventionGenetics, part of Exact Sciences
Classification: Likely benign for TGM6-related condition. Last evaluated: 2025-02-07. Review status: criteria provided, single submitter. Criteria: ACMG Guidelines, 2015. Collection method: clinical testing. Allele origin: germline.
Comment: This variant is classified as likely benign based on ACMG/AMP sequence variant interpretation guidelines (Richards et al. 2015 PMID: 25741868, with internal and published modifications).